The following is an entry in ClinVar:

NM_001009944.3(PKD1):c.216-8C>G

Gene: PKD1 (polycystin 1, transient receptor potential channel interacting; minus strand). Cytogenetic location: 16p13.3.
Variant type: single nucleotide variant.
Coding change: c.216-8C>G on transcript NM_001009944.3 (MANE Select); 8 bases into the intron before coding-DNA position 216, C replaced by G.
Molecular consequence: intron variant.
Genome position (GRCh38, 1-based): chr16:2,119,386, G>C on the plus strand (C>G on the coding strand, the complement: PKD1 is on the minus strand). VCF-style: chr16-2119386-G-C. GRCh37 (hg19) VCF-style: chr16-2169387-G-C.
Other names: c.216-8C>G (NM_000296.4, NM_001009944.2).
Identifiers: ClinVar variation 2664982 (VCV002664982.3), dbSNP rs1157566139, ClinGen allele CA2631142739.

ClinVar aggregate classification (germline): Uncertain significance. Review status: criteria provided, single submitter (1 of 4 stars). 2 submissions from 2 submitters: Uncertain significance (1). 1 of the submissions does not count toward it. Last evaluated 2023-11-16.

Conditions:
PKD1-related disorder. Also called: PKD1-related condition.
Polycystic kidney disease, adult type (PKD1). Also called: Polycystic Kidney Disease 1, Autosomal Dominant; Polycystic kidney disease 1; Polycystic kidney disease 1, severe; POLYCYSTIC KIDNEY DISEASE 1 WITH OR WITHOUT POLYCYSTIC LIVER DISEASE; POLYCYSTIC KIDNEY DISEASE, ADULT, TYPE I; Polycystic Kidney, Autosomal Dominant. Identifiers: MedGen C3149841, MONDO:0008263, OMIM 173900.

gnomAD v4.1: 1 of 1,470,690 alleles (0.000068%); highest among the groups gnomAD compares: Non-Finnish European, 0.000092%; no homozygotes.

Submissions (2):

Institute of Human Genetics, University of Leipzig Medical Center
Classification: Uncertain significance for Polycystic kidney disease, adult type. Last evaluated: 2023-11-16. Review status: criteria provided, single submitter. Criteria: ACMG Guidelines, 2015. Collection method: clinical testing. Allele origin: unknown. Inheritance: Autosomal dominant inheritance. Affected: yes.
Comment: Criteria applied: PM2_SUP,PP3

PreventionGenetics, part of Exact Sciences
Classification: Uncertain significance for PKD1-related condition. Last evaluated: 2024-03-27. Review status: no assertion criteria provided. Collection method: clinical testing. Allele origin: germline. Not counted in ClinVar's aggregate classification.
Comment: The PKD1 c.216-8C>G variant is predicted to interfere with splicing. This variant was reported in an individual with autosomal dominant polycystic kidney disease (ADPKD) (Cornec-Le Gall et al. 2016. PubMed ID: 26150605, supplemental table 3). This variant has not been reported in a large population database, indicating this variant is rare. Although we suspect that this variant may be pathogenic, at this time, the clinical significance of this variant is uncertain due to the absence of conclusive functional and genetic evidence.